The following is an entry in ClinVar:

ClinVar aggregate classification (germline): Uncertain significance (1 of 4 stars; one submission).

Submission:

Labcorp Genetics (formerly Invitae), Labcorp
Classification: Uncertain significance. Last evaluated: 2022-04-28. Review status: criteria provided, single submitter. Criteria: Invitae Variant Classification Sherloc (09022015). Collection method: clinical testing. Allele origin: germline.
Comment: Algorithms developed to predict the effect of missense changes on protein structure and function are either unavailable or do not agree on the potential impact of this missense change (SIFT: "Deleterious"; PolyPhen-2: "Not Available"; Align-GVGD: "Class C55"). This sequence change replaces alanine, which is neutral and non-polar, with threonine, which is neutral and polar, at codon 484 of the CDH23 protein (p.Ala484Thr). This variant is not present in population databases (gnomAD no frequency). This variant has not been reported in the literature in individuals affected with CDH23-related conditions. In summary, the available evidence is currently insufficient to determine the role of this variant in disease. Therefore, it has been classified as a Variant of Uncertain Significance.

NM_022124.6(CDH23):c.1450G>A (p.Ala484Thr)

Gene: CDH23 (cadherin related 23; plus strand). Cytogenetic location: 10q22.1.
Variant type: single nucleotide variant.
Coding change: c.1450G>A on transcript NM_022124.6 (MANE Select); coding-DNA position 1450, G replaced by A.
Protein change: p.Ala484Thr; replaces alanine 484 with threonine.
Molecular consequence: missense variant.
Genome position (GRCh38, 1-based): chr10:71,675,112, G>A. VCF-style: chr10-71675112-G-A. GRCh37 (hg19) VCF-style: chr10-73434869-G-A.
Other names: c.1450G>A, p.Ala484Thr (NM_001171930.2, NM_001171931.2); short protein forms A484T.
Identifiers: ClinVar variation 1941002 (VCV001941002.5), dbSNP rs2493927882, ClinGen allele CA377129694.
Genomic context (GRCh38, chr10:71,675,112, plus strand): 5'-TGTGGACCTGAAGCCTCAGCTGGGCCTGGCAGTAATGACTTCTTGTTCTCGCTGTTGCAG[G>A]CAACTGACAATGATGCAGGCACCTTTGGGGAAGTCAGCTACTTCTTCAGTGATGACCCTG-3'
Protein context (NP_071407.4, residues 474-494): TVGTSVLTVL[Ala484Thr]TDNDAGTFGE